The following is an entry in ClinVar:

ClinVar aggregate classification (germline): Uncertain significance (1 of 4 stars; one submission).

Allele frequency attached by ClinVar (database versions not stated): gnomAD 0.00001; TOPMed 0.00001.
gnomAD v4.1: 1 of 1,602,418 alleles (0.000062%); highest among the groups gnomAD compares: Non-Finnish European, 0.000085%; no homozygotes.

Submission:

Labcorp Genetics (formerly Invitae), Labcorp
Classification: Uncertain significance. Last evaluated: 2023-03-18. Review status: criteria provided, single submitter. Criteria: Invitae Variant Classification Sherloc (09022015). Collection method: clinical testing. Allele origin: germline.
Comment: In summary, the available evidence is currently insufficient to determine the role of this variant in disease. Therefore, it has been classified as a Variant of Uncertain Significance. Advanced modeling of protein sequence and biophysical properties (such as structural, functional, and spatial information, amino acid conservation, physicochemical variation, residue mobility, and thermodynamic stability) performed at Invitae indicates that this missense variant is not expected to disrupt ERBB2 protein function. This variant has not been reported in the literature in individuals affected with ERBB2-related conditions. This variant is not present in population databases (gnomAD no frequency). This sequence change replaces serine, which is neutral and polar, with glycine, which is neutral and non-polar, at codon 38 of the ERBB2 protein (p.Ser38Gly).

NM_004448.4(ERBB2):c.112A>G (p.Ser38Gly)

Gene: ERBB2 (erb-b2 receptor tyrosine kinase 2; plus strand). Cytogenetic location: 17q12.
Variant type: single nucleotide variant.
Coding change: c.112A>G on transcript NM_004448.4 (MANE Select); coding-DNA position 112, A replaced by G.
Protein change: p.Ser38Gly; replaces serine 38 with glycine.
Molecular consequence: missense variant. On other transcripts: non-coding transcript variant (1), intron variant (1).
Genome position (GRCh38, 1-based): chr17:39,707,028, A>G. VCF-style: chr17-39707028-A-G. GRCh37 (hg19) VCF-style: chr17-37863281-A-G.
Other names: c.112A>G, p.Ser38Gly (NM_001382790.1, NM_001382791.1, NM_001382792.1 and 20 more transcripts); c.22A>G, p.Ser8Gly (NM_001289938.2, NM_001382782.1, NM_001382783.1 and 1 more transcripts); c.67A>G, p.Ser23Gly (NM_001289936.2); c.74-4900A>G (NM_001382804.1); short protein forms S23G, S38G, S8G.
Identifiers: ClinVar variation 2997046 (VCV002997046.3), dbSNP rs1459247021, ClinGen allele CA399270173.